The following is an entry in ClinVar:

ClinVar aggregate classification (germline): Conflicting classifications of pathogenicity. Review status: criteria provided, conflicting classifications (1 of 4 stars). 3 submissions from 3 submitters: Uncertain significance (2); Likely benign (1). Last evaluated 2025-10-01.

Conditions:
KBG syndrome (KBGS). Also called: ANKRD11-Related KBG Syndrome. Identifiers: Orphanet 2332, MedGen C0220687, MONDO:0007846, OMIM 148050.
Inborn genetic diseases. Identifiers: MedGen C0950123, MeSH D030342.

Allele frequency attached by ClinVar (database versions not stated): 1000 Genomes Project 0.00020; 1000 Genomes Project 30x 0.00031.
gnomAD v4.1: 92 of 1,614,158 alleles (0.0057%); highest among the groups gnomAD compares: Non-Finnish European, 0.0071%; no homozygotes.

Submissions (3):

Labcorp Genetics (formerly Invitae), Labcorp
Classification: Uncertain significance for KBG syndrome. Last evaluated: 2025-10-01. Review status: criteria provided, single submitter. Criteria: Invitae Variant Classification Sherloc (09022015). Collection method: clinical testing. Allele origin: germline.
Comment: This sequence change replaces proline, which is neutral and non-polar, with leucine, which is neutral and non-polar, at codon 1315 of the ANKRD11 protein (p.Pro1315Leu). This variant is present in population databases (rs186068075, gnomAD 0.006%). This variant has not been reported in the literature in individuals affected with ANKRD11-related conditions. ClinVar contains an entry for this variant (Variation ID: 1300925). Invitae Evidence Modeling of protein sequence and biophysical properties (such as structural, functional, and spatial information, amino acid conservation, physicochemical variation, residue mobility, and thermodynamic stability) indicates that this missense variant is not expected to disrupt ANKRD11 protein function with a negative predictive value of 95%. In summary, the available evidence is currently insufficient to determine the role of this variant in disease. Therefore, it has been classified as a Variant of Uncertain Significance.

GeneDx
Classification: Likely benign. Last evaluated: 2021-04-30. Review status: criteria provided, single submitter. Criteria: GeneDx Variant Classification Process June 2021. Collection method: clinical testing. Allele origin: germline. Affected: yes.
Comment: In silico analysis supports that this missense variant has a deleterious effect on protein structure/function; Has not been previously published as pathogenic or benign to our knowledge

Ambry Genetics
Classification: Uncertain significance for Inborn genetic diseases. Last evaluated: 2017-09-06. Review status: criteria provided, single submitter. Criteria: Ambry Variant Classification Scheme 2023. Collection method: clinical testing. Allele origin: germline.
Comment: The p.P1315L variant (also known as c.3944C>T), located in coding exon 7 of the ANKRD11 gene, results from a C to T substitution at nucleotide position 3944. The proline at codon 1315 is replaced by leucine, an amino acid with similar properties. This amino acid position is highly conserved in available vertebrate species. In addition, this alteration is predicted to be tolerated by in silico analysis. Since supporting evidence is limited at this time, the clinical significance of this alteration remains unclear.

NM_013275.6(ANKRD11):c.3944C>T (p.Pro1315Leu)

Gene: ANKRD11 (ankyrin repeat domain 11; minus strand). Cytogenetic location: 16q24.3.
Variant type: single nucleotide variant.
Coding change: c.3944C>T on transcript NM_013275.6 (MANE Select); coding-DNA position 3944, C replaced by T.
Protein change: p.Pro1315Leu; replaces proline 1315 with leucine.
Molecular consequence: missense variant.
Genome position (GRCh38, 1-based): chr16:89,282,598, G>A on the plus strand (C>T on the coding strand, the complement: ANKRD11 is on the minus strand). VCF-style: chr16-89282598-G-A. GRCh37 (hg19) VCF-style: chr16-89349006-G-A.
Other names: c.3944C>T, p.Pro1315Leu (NM_001256182.2, NM_001256183.2); short protein forms P1315L.
Identifiers: ClinVar variation 1300925 (VCV001300925.11), dbSNP rs186068075, ClinGen allele CA8242249.